The following is an entry in ClinVar:

NM_000540.3(RYR1):c.10052C>T (p.Pro3351Leu)

Gene: RYR1 (ryanodine receptor 1; plus strand). Cytogenetic location: 19q13.2.
Variant type: single nucleotide variant.
Coding change: c.10052C>T on transcript NM_000540.3 (MANE Select); coding-DNA position 10052, C replaced by T.
Protein change: p.Pro3351Leu; replaces proline 3351 with leucine.
Molecular consequence: missense variant.
Genome position (GRCh38, 1-based): chr19:38,519,247, C>T. VCF-style: chr19-38519247-C-T. GRCh37 (hg19) VCF-style: chr19-39009887-C-T.
Other names: c.10052C>T, p.Pro3351Leu (NM_001042723.2); short protein forms P3351L.
Identifiers: ClinVar variation 932362 (VCV000932362.40), dbSNP rs970909296, ClinGen allele CA405694751.

ClinVar aggregate classification (germline): Uncertain significance. Review status: criteria provided, multiple submitters, no conflicts (2 of 4 stars). 2 submissions from 2 submitters: Uncertain significance (2). Last evaluated 2025-11-10.

Conditions:
RYR1-related disorder. Also called: RYR1-related disorders; RYR1-related condition. Identifiers: MedGen CN239331.

Allele frequency attached by ClinVar (database versions not stated): gnomAD exomes below 0.00001; gnomAD 0.00001; TOPMed 0.00001.
gnomAD v4.1: 4 of 1,613,974 alleles (0.00025%); highest among the groups gnomAD compares: Admixed American, 0.0033%; no homozygotes.

Submissions (2):

Labcorp Genetics (formerly Invitae), Labcorp
Classification: Uncertain significance for RYR1-related disorder. Last evaluated: 2025-11-10. Review status: criteria provided, single submitter. Criteria: Invitae Variant Classification Sherloc (09022015). Collection method: clinical testing. Allele origin: germline.
Comment: This sequence change replaces proline, which is neutral and non-polar, with leucine, which is neutral and non-polar, at codon 3351 of the RYR1 protein (p.Pro3351Leu). This variant is present in population databases (no rsID available, gnomAD 0.003%). This variant has not been reported in the literature in individuals affected with RYR1-related conditions. ClinVar contains an entry for this variant (Variation ID: 932362). Invitae Evidence Modeling of protein sequence and biophysical properties (such as structural, functional, and spatial information, amino acid conservation, physicochemical variation, residue mobility, and thermodynamic stability) indicates that this missense variant is not expected to disrupt RYR1 protein function with a negative predictive value of 80%. In summary, the available evidence is currently insufficient to determine the role of this variant in disease. Therefore, it has been classified as a Variant of Uncertain Significance.

CeGaT Center for Human Genetics Tuebingen
Classification: Uncertain significance. Last evaluated: 2020-07-01. Review status: criteria provided, single submitter. Criteria: CeGaT Center For Human Genetics Tuebingen Variant Classification Criteria Version 2. Collection method: clinical testing. Allele origin: germline. Affected: yes. Observed: 2 variant alleles.